The following is an entry in ClinVar:

NM_024649.5(BBS1):c.407A>G (p.Gln136Arg)

Gene: BBS1 (Bardet-Biedl syndrome 1; plus strand). Cytogenetic location: 11q13.2.
Variant type: single nucleotide variant.
Coding change: c.407A>G on transcript NM_024649.5 (MANE Select); coding-DNA position 407, A replaced by G.
Protein change: p.Gln136Arg; replaces glutamine 136 with arginine.
Molecular consequence: missense variant.
Genome position (GRCh38, 1-based): chr11:66,514,653, A>G. VCF-style: chr11-66514653-A-G. GRCh37 (hg19) VCF-style: chr11-66282124-A-G.
Other names: short protein forms Q136R.
Identifiers: ClinVar variation 838441 (VCV000838441.10), dbSNP rs144833282, ClinGen allele CA6123323.

ClinVar aggregate classification (germline): Uncertain significance. Review status: criteria provided, multiple submitters, no conflicts (2 of 4 stars). 6 submissions from 6 submitters: Uncertain significance (4). 2 of the submissions do not count toward it. Last evaluated 2024-08-22.

Conditions:
Bardet-Biedl syndrome 1 (BBS1). Identifiers: MedGen C2936862, MONDO:0008854, OMIM 209900. Disease mechanism: loss of function.
Inborn genetic diseases. Identifiers: MedGen C0950123, MeSH D030342.
BBS1-related disorder. Also called: BBS1-related condition.
Bardet-Biedl syndrome (BBS). Identifiers: Orphanet 110, MedGen C0752166, MONDO:0015229.

Allele frequency attached by ClinVar (database versions not stated): gnomAD exomes 0.00003 and 0.00012; ExAC 0.00006; ESP Exome Variant Server 0.00008; gnomAD 0.00008; TOPMed 0.00020.
gnomAD v4.1: 61 of 1,612,820 alleles (0.0038%); highest among the groups gnomAD compares: Admixed American, 0.042%; no homozygotes.

Submissions (6):

Blueprint Genetics
Classification: Uncertain significance. Last evaluated: 2024-08-22. Review status: criteria provided, single submitter. Criteria: ACMG Guidelines, 2015. Collection method: clinical testing. Allele origin: germline.

Ambry Genetics
Classification: Uncertain significance for Inborn genetic diseases. Last evaluated: 2024-05-15. Review status: criteria provided, single submitter. Criteria: Ambry Variant Classification Scheme 2023. Collection method: clinical testing. Allele origin: germline.

Fulgent Genetics
Classification: Uncertain significance for Bardet-Biedl syndrome 1. Last evaluated: 2024-01-22. Review status: criteria provided, single submitter. Criteria: ACMG Guidelines, 2015. Collection method: clinical testing. Allele origin: germline.

Labcorp Genetics (formerly Invitae), Labcorp
Classification: Uncertain significance for Bardet-Biedl syndrome. Last evaluated: 2022-09-27. Review status: criteria provided, single submitter. Criteria: Invitae Variant Classification Sherloc (09022015). Collection method: clinical testing. Allele origin: germline.
Comment: This sequence change replaces glutamine, which is neutral and polar, with arginine, which is basic and polar, at codon 136 of the BBS1 protein (p.Gln136Arg). This variant is present in population databases (rs144833282, gnomAD 0.08%). This variant has not been reported in the literature in individuals affected with BBS1-related conditions. ClinVar contains an entry for this variant (Variation ID: 838441). Advanced modeling of protein sequence and biophysical properties (such as structural, functional, and spatial information, amino acid conservation, physicochemical variation, residue mobility, and thermodynamic stability) performed at Invitae indicates that this missense variant is not expected to disrupt BBS1 protein function. In summary, the available evidence is currently insufficient to determine the role of this variant in disease. Therefore, it has been classified as a Variant of Uncertain Significance.

PreventionGenetics, part of Exact Sciences
Classification: Uncertain significance for BBS1-related condition. Last evaluated: 2024-04-23. Review status: no assertion criteria provided. Collection method: clinical testing. Allele origin: germline. Not counted in ClinVar's aggregate classification.
Comment: The BBS1 c.407A>G variant is predicted to result in the amino acid substitution p.Gln136Arg. To our knowledge, this variant has not been reported in the literature. This variant is reported in 0.077% of alleles in individuals of Ashkenazi Jewish descent in gnomAD, which is likely too common for an undocumented disease-causing variant. Although we suspect that this variant may be benign, at this time, the clinical significance of this variant is uncertain due to the absence of conclusive functional and genetic evidence.

Natera, Inc.
Classification: Uncertain significance for Bardet-Biedl syndrome type 1. Last evaluated: 2020-03-24. Review status: no assertion criteria provided. Collection method: clinical testing. Allele origin: germline. Not counted in ClinVar's aggregate classification.